The following is an entry in ClinVar:

ClinVar aggregate classification (germline): Likely benign. Review status: criteria provided, multiple submitters, no conflicts (2 of 4 stars). 2 submissions from 2 submitters: Likely benign (2). Last evaluated 2026-09-05.

Conditions:
DNMT3A-related disorder. Also called: DNMT3A-related disorders; DNMT3A-related condition.
Inborn genetic diseases. Identifiers: MedGen C0950123, MeSH D030342.

gnomAD v4.1: 2 of 1,609,986 alleles (0.00012%); highest among the groups gnomAD compares: African/African-American, 0.0013%; no homozygotes.

Submissions (2):

PreventionGenetics, part of Exact Sciences
Classification: Likely benign for DNMT3A-related condition. Last evaluated: 2026-09-05. Review status: criteria provided, single submitter. Criteria: ACMG Guidelines, 2015. Collection method: clinical testing. Allele origin: germline.
Comment: This variant is classified as likely benign based on ACMG/AMP sequence variant interpretation guidelines (Richards et al. 2015 PMID: 25741868, with internal and published modifications).

Ambry Genetics
Classification: Likely benign for Inborn genetic diseases. Last evaluated: 2025-06-22. Review status: criteria provided, single submitter. Criteria: Ambry Variant Classification Scheme 2023. Collection method: clinical testing. Allele origin: germline.

NM_022552.5(DNMT3A):c.1696T>C (p.Leu566=)

Gene: DNMT3A (DNA methyltransferase 3 alpha; minus strand). Cytogenetic location: 2p23.3.
Variant type: single nucleotide variant.
Coding change: c.1696T>C on transcript NM_022552.5 (MANE Select); coding-DNA position 1696, T replaced by C.
Protein change: p.Leu566=; no amino-acid change (leucine 566 retained).
Molecular consequence: synonymous variant. On other transcripts: non-coding transcript variant (1).
Genome position (GRCh38, 1-based): chr2:25,244,310, A>G on the plus strand (T>C on the coding strand, the complement: DNMT3A is on the minus strand). VCF-style: chr2-25244310-A-G. GRCh37 (hg19) VCF-style: chr2-25467179-A-G.
Other names: c.1240T>C, p.Leu414= (NM_001320893.1); c.1027T>C, p.Leu343= (NM_001375819.1); c.1129T>C, p.Leu377= (NM_153759.3); c.1696T>C, p.Leu566= (NM_175629.2).
Identifiers: ClinVar variation 4243582 (VCV004243582.2).